The following is an entry in ClinVar:

NM_175875.5(SIX5):c.1643G>A (p.Ser548Asn)

Gene: SIX5 (SIX homeobox 5; minus strand). Cytogenetic location: 19q13.32.
Variant type: single nucleotide variant.
Coding change: c.1643G>A on transcript NM_175875.5 (MANE Select); coding-DNA position 1643, G replaced by A.
Protein change: p.Ser548Asn; replaces serine 548 with asparagine.
Molecular consequence: missense variant.
Genome position (GRCh38, 1-based): chr19:45,766,078, C>T on the plus strand (G>A on the coding strand, the complement: SIX5 is on the minus strand). VCF-style: chr19-45766078-C-T. GRCh37 (hg19) VCF-style: chr19-46269336-C-T.
Other names: short protein forms S548N.
Identifiers: ClinVar variation 3692683 (VCV003692683.2).

ClinVar aggregate classification (germline): Uncertain significance (1 of 4 stars; one submission).

gnomAD v4.1: 2 of 1,611,988 alleles (0.00012%); highest among the groups gnomAD compares: Non-Finnish European, 0.00017%; no homozygotes.

Submission:

Labcorp Genetics (formerly Invitae), Labcorp
Classification: Uncertain significance. Last evaluated: 2024-01-29. Review status: criteria provided, single submitter. Criteria: Invitae Variant Classification Sherloc (09022015). Collection method: clinical testing. Allele origin: germline.
Comment: This sequence change replaces serine, which is neutral and polar, with asparagine, which is neutral and polar, at codon 548 of the SIX5 protein (p.Ser548Asn). This variant is not present in population databases (gnomAD no frequency). This variant has not been reported in the literature in individuals affected with SIX5-related conditions. Advanced modeling of protein sequence and biophysical properties (such as structural, functional, and spatial information, amino acid conservation, physicochemical variation, residue mobility, and thermodynamic stability) performed at Invitae indicates that this missense variant is not expected to disrupt SIX5 protein function with a negative predictive value of 80%. In summary, the available evidence is currently insufficient to determine the role of this variant in disease. Therefore, it has been classified as a Variant of Uncertain Significance.